The following is an entry in ClinVar:

NM_000051.4(ATM):c.40C>T (p.Gln14Ter)

Gene: ATM (ATM serine/threonine kinase; plus strand). Cytogenetic location: 11q22.3.
Variant type: single nucleotide variant.
Coding change: c.40C>T on transcript NM_000051.4 (MANE Select); coding-DNA position 40, C replaced by T.
Protein change: p.Gln14Ter; replaces glutamine 14 with a stop codon.
Molecular consequence: nonsense.
Genome position (GRCh38, 1-based): chr11:108,227,664, C>T. VCF-style: chr11-108227664-C-T. GRCh37 (hg19) VCF-style: chr11-108098391-C-T.
Other names: c.40C>T, p.Gln14Ter (NM_001351834.2, NM_001351835.2, NM_001351836.2); short protein forms Q14*.
Identifiers: ClinVar variation 2001885 (VCV002001885.4), dbSNP rs2135005331, ClinGen allele CA382519119.

ClinVar aggregate classification (germline): Pathogenic (1 of 4 stars; one submission).

Conditions:
Ataxia-telangiectasia syndrome (AT). Also called: Ataxia-telangiectasia, complementation group E; Ataxia-telangiectasia; ATAXIA-TELANGIECTASIA, COMPLEMENTATION GROUP A; Ataxia-telangiectasia, complementation group D; Ataxia telangiectasia (A-T); LOUIS-BAR SYNDROME. Identifiers: Orphanet 100, MedGen C0004135, MONDO:0008840, OMIM 208900.

Submission:

Labcorp Genetics (formerly Invitae), Labcorp
Classification: Pathogenic for Ataxia-telangiectasia syndrome. Last evaluated: 2022-10-31. Review status: criteria provided, single submitter. Criteria: Invitae Variant Classification Sherloc (09022015). Collection method: clinical testing. Allele origin: germline.
Comment: For these reasons, this variant has been classified as Pathogenic. Algorithms developed to predict the effect of sequence changes on RNA splicing suggest that this variant may disrupt the consensus splice site. This variant has not been reported in the literature in individuals affected with ATM-related conditions. This variant is not present in population databases (gnomAD no frequency). This sequence change creates a premature translational stop signal (p.Gln14*) in the ATM gene. It is expected to result in an absent or disrupted protein product. Loss-of-function variants in ATM are known to be pathogenic (PMID: 23807571, 25614872).

Literature cited by the submitters: PubMed 23807571; PubMed 25614872.